The following is an entry in ClinVar:

ClinVar aggregate classification (germline): Uncertain significance (1 of 4 stars; one submission).

gnomAD v4.1: 1 of 1,614,250 alleles (0.000062%); highest among the groups gnomAD compares: Non-Finnish European, 0.000085%; no homozygotes.

Submission:

Ambry Genetics
Classification: Uncertain significance. Last evaluated: 2026-01-22. Review status: criteria provided, single submitter. Criteria: Ambry Variant Classification Scheme 2023. Collection method: clinical testing. Allele origin: germline.
Comment: The p.I75M variant (also known as c.225A>G), located in coding exon 1 of the RNF43 gene, results from an A to G substitution at nucleotide position 225. The isoleucine at codon 75 is replaced by methionine, an amino acid with highly similar properties. This amino acid position is conserved. In addition, this alteration is predicted to be tolerated by in silico analysis. Based on the available evidence, the clinical significance of this variant remains unclear.

NM_017763.6(RNF43):c.225A>G (p.Ile75Met)

Gene: RNF43 (ring finger protein 43; minus strand). Cytogenetic location: 17q22.
Variant type: single nucleotide variant.
Coding change: c.225A>G on transcript NM_017763.6 (MANE Select); coding-DNA position 225, A replaced by G.
Protein change: p.Ile75Met; replaces isoleucine 75 with methionine.
Molecular consequence: missense variant. On other transcripts: intron variant (1).
Genome position (GRCh38, 1-based): chr17:58,415,353, T>C on the plus strand (A>G on the coding strand, the complement: RNF43 is on the minus strand). VCF-style: chr17-58415353-T-C. GRCh37 (hg19) VCF-style: chr17-56492714-T-C.
Other names: c.225A>G, p.Ile75Met (NM_001305544.3, NM_001438820.1, NM_001438821.1 and 1 more transcripts); c.-130+1664A>G (NM_001437987.1); short protein forms I75M.
Identifiers: ClinVar variation 4844767 (VCV004844767.1).